The following is an entry in ClinVar:

NM_007186.6(CEP250):c.4880A>G (p.Glu1627Gly)

Gene: CEP250 (centrosomal protein 250; plus strand). Cytogenetic location: 20q11.22.
Variant type: single nucleotide variant.
Coding change: c.4880A>G on transcript NM_007186.6 (MANE Select); coding-DNA position 4880, A replaced by G.
Protein change: p.Glu1627Gly; replaces glutamic acid 1627 with glycine.
Molecular consequence: missense variant.
Genome position (GRCh38, 1-based): chr20:35,503,249, A>G. VCF-style: chr20-35503249-A-G. GRCh37 (hg19) VCF-style: chr20-34091077-A-G.
Other names: c.2984A>G, p.Glu995Gly (NM_001318219.1); short protein forms E1627G, E995G.
Identifiers: ClinVar variation 1400929 (VCV001400929.8), dbSNP rs775392138, ClinGen allele CA408749862.

ClinVar aggregate classification (germline): Uncertain significance (1 of 4 stars; one submission).

Submission:

Labcorp Genetics (formerly Invitae), Labcorp
Classification: Uncertain significance. Last evaluated: 2026-01-12. Review status: criteria provided, single submitter. Criteria: Invitae Variant Classification Sherloc (09022015). Collection method: clinical testing. Allele origin: germline.
Comment: This sequence change replaces glutamic acid with glycine at codon 1627 of the CEP250 protein (p.Glu1627Gly). The glutamic acid residue is moderately conserved and there is a moderate physicochemical difference between glutamic acid and glycine. This variant is not present in population databases (gnomAD no frequency). This variant has not been reported in the literature in individuals affected with CEP250-related conditions. ClinVar contains an entry for this variant (Variation ID: 1400929). An algorithm developed to predict the effect of missense changes on protein structure and function (PolyPhen-2) suggests that this variant is likely to be disruptive. In summary, the available evidence is currently insufficient to determine the role of this variant in disease. Therefore, it has been classified as a Variant of Uncertain Significance.